The following is an entry in ClinVar:

ClinVar aggregate classification (germline): Conflicting classifications of pathogenicity. Review status: criteria provided, conflicting classifications (1 of 4 stars). 2 submissions from 2 submitters: Uncertain significance (1); Likely benign (1). Last evaluated 2024-03-21.

Allele frequency attached by ClinVar (database versions not stated): gnomAD 0.00011; ExAC 0.00015; ESP Exome Variant Server 0.00015; TOPMed 0.00015.
gnomAD v4.1: 316 of 1,613,978 alleles (0.02%); highest among the groups gnomAD compares: Admixed American, 0.048%; 1 homozygote.

Submissions (2):

Labcorp Genetics (formerly Invitae), Labcorp
Classification: Uncertain significance. Last evaluated: 2024-03-21. Review status: criteria provided, single submitter. Criteria: Invitae Variant Classification Sherloc (09022015). Collection method: clinical testing. Allele origin: germline.
Comment: This sequence change replaces arginine, which is basic and polar, with glutamine, which is neutral and polar, at codon 173 of the SLC25A11 protein (p.Arg173Gln). This variant is present in population databases (rs372521210, gnomAD 0.03%). This variant has not been reported in the literature in individuals affected with SLC25A11-related conditions. ClinVar contains an entry for this variant (Variation ID: 2592135). Algorithms developed to predict the effect of missense changes on protein structure and function output the following: SIFT: "Not Available"; PolyPhen-2: "Not Available"; Align-GVGD: "Not Available". The glutamine amino acid residue is found in multiple mammalian species, which suggests that this missense change does not adversely affect protein function. In summary, the available evidence is currently insufficient to determine the role of this variant in disease. Therefore, it has been classified as a Variant of Uncertain Significance.

Ambry Genetics
Classification: Likely benign. Last evaluated: 2023-08-21. Review status: criteria provided, single submitter. Criteria: Ambry Variant Classification Scheme 2023. Collection method: clinical testing. Allele origin: germline.

NM_003562.5(SLC25A11):c.518G>A (p.Arg173Gln)

Gene: SLC25A11 (solute carrier family 25 member 11; minus strand). Cytogenetic location: 17p13.2.
Variant type: single nucleotide variant.
Coding change: c.518G>A on transcript NM_003562.5 (MANE Select); coding-DNA position 518, G replaced by A.
Protein change: p.Arg173Gln; replaces arginine 173 with glutamine.
Molecular consequence: missense variant.
Genome position (GRCh38, 1-based): chr17:4,938,540, C>T on the plus strand (G>A on the coding strand, the complement: SLC25A11 is on the minus strand). VCF-style: chr17-4938540-C-T. GRCh37 (hg19) VCF-style: chr17-4841835-C-T.
Other names: c.485G>A, p.Arg162Gln (NM_001165417.2); c.365G>A, p.Arg122Gln (NM_001165418.2); short protein forms R173Q, R122Q, R162Q.
Identifiers: ClinVar variation 2592135 (VCV002592135.4), dbSNP rs372521210, ClinGen allele CA8315295.